The following is an entry in ClinVar:

ClinVar aggregate classification (germline): Likely benign (1 of 4 stars; one submission).

Conditions:
PLXNA4-related disorder. Also called: PLXNA4-related condition.

gnomAD v4.1: 2 of 1,610,484 alleles (0.00012%); highest among the groups gnomAD compares: Admixed American, 0.0017%; no homozygotes.

Submission:

PreventionGenetics, part of Exact Sciences
Classification: Likely benign for PLXNA4-related condition. Last evaluated: 2024-11-26. Review status: criteria provided, single submitter. Criteria: ACMG Guidelines, 2015. Collection method: clinical testing. Allele origin: germline.
Comment: This variant is classified as likely benign based on ACMG/AMP sequence variant interpretation guidelines (Richards et al. 2015 PMID: 25741868, with internal and published modifications).

NM_020911.2(PLXNA4):c.3874+5T>C

Gene: PLXNA4 (plexin A4; minus strand). Cytogenetic location: 7q32.3.
Variant type: single nucleotide variant.
Coding change: c.3874+5T>C on transcript NM_020911.2 (MANE Select); 5 bases into the intron after coding-DNA position 3874, T replaced by C.
Molecular consequence: intron variant.
Genome position (GRCh38, 1-based): chr7:132,179,682, A>G on the plus strand (T>C on the coding strand, the complement: PLXNA4 is on the minus strand). VCF-style: chr7-132179682-A-G. GRCh37 (hg19) VCF-style: chr7-131864441-A-G.
Other names: c.3874+5T>C (NM_001393897.1).
Identifiers: ClinVar variation 4978364 (VCV004978364.1).